The following is an entry in ClinVar:

ClinVar aggregate classification (germline): Conflicting classifications of pathogenicity. Review status: criteria provided, conflicting classifications (1 of 4 stars). 3 submissions from 3 submitters: Uncertain significance (2); Likely benign (1). Last evaluated 2023-06-01.

Conditions:
Hereditary cancer-predisposing syndrome. Also called: Neoplastic Syndromes, Hereditary; Tumor predisposition; Hereditary neoplastic syndrome; Hereditary Cancer Syndrome. Identifiers: Orphanet 140162, MedGen C0027672, MeSH D009386, MONDO:0015356.

Submissions (3):

Ambry Genetics
Classification: Uncertain significance for Hereditary cancer-predisposing syndrome. Last evaluated: 2023-06-01. Review status: criteria provided, single submitter. Criteria: Ambry Variant Classification Scheme 2023. Collection method: clinical testing. Allele origin: germline.
Comment: The p.G402D variant (also known as c.1205G>A), located in coding exon 9 of the BRCA2 gene, results from a G to A substitution at nucleotide position 1205. The glycine at codon 402 is replaced by aspartic acid, an amino acid with similar properties. This amino acid position is well conserved in available vertebrate species. In addition, this alteration is predicted to be tolerated by in silico analysis. Since supporting evidence is limited at this time, the clinical significance of this alteration remains unclear.

University of Washington Department of Laboratory Medicine, University of Washington
Classification: Likely benign for Hereditary cancer-predisposing syndrome. Last evaluated: 2023-03-23. Review status: criteria provided, single submitter. Criteria: Dines et al. (Genet Med. 2020). Collection method: curation. Allele origin: germline.
Comment: Missense variant in a coldspot region where missense variants are very unlikely to be pathogenic (PMID:31911673).

BRCA2 exon 10 coldspot. Reclassification based on statistical prior probability.

Color Diagnostics, LLC DBA Color Health
Classification: Uncertain significance for Hereditary cancer-predisposing syndrome. Last evaluated: 2020-05-26. Review status: criteria provided, single submitter. Criteria: ACMG Guidelines, 2015. Collection method: clinical testing. Allele origin: germline.
Comment: This missense variant replaces glycine with aspartic acid at codon 402 of the BRCA2 protein. Computational prediction suggests that this variant may not impact protein structure and function (internally defined REVEL score threshold <= 0.5, PMID: 27666373). To our knowledge, functional studies have not been reported for this variant. This variant has not been reported in individuals affected with hereditary cancer in the literature. This variant has not been identified in the general population by the Genome Aggregation Database (gnomAD). The available evidence is insufficient to determine the role of this variant in disease conclusively. Therefore, this variant is classified as a Variant of Uncertain Significance.

NM_000059.4(BRCA2):c.1205G>A (p.Gly402Asp)

Gene: BRCA2 (BRCA2 DNA repair associated; plus strand). Cytogenetic location: 13q13.1.
Variant type: single nucleotide variant.
Coding change: c.1205G>A on transcript NM_000059.4 (MANE Select); coding-DNA position 1205, G replaced by A.
Protein change: p.Gly402Asp; replaces glycine 402 with aspartic acid.
Molecular consequence: missense variant.
Genome position (GRCh38, 1-based): chr13:32,332,683, G>A. VCF-style: chr13-32332683-G-A. GRCh37 (hg19) VCF-style: chr13-32906820-G-A.
Other names: short protein forms G402D.
Identifiers: ClinVar variation 628874 (VCV000628874.8), dbSNP rs1566223012, ClinGen allele CA387762074.
Genomic context (GRCh38, chr13:32,332,683, plus strand): 5'-AAATCTCCAAGGAAGTTGTACCGTCTTTGGCCTGTGAATGGTCTCAACTAACCCTTTCAG[G>A]TCTAAATGGAGCCCAGATGGAGAAAATACCCCTATTGCATATTTCTTCATGTGACCAAAA-3'
Protein context (NP_000050.3, residues 392-412): ACEWSQLTLS[Gly402Asp]LNGAQMEKIP